The following is an entry in ClinVar:

ClinVar aggregate classification (germline): Conflicting classifications of pathogenicity. Review status: criteria provided, conflicting classifications (1 of 4 stars). 3 submissions from 3 submitters: Pathogenic (2); Uncertain significance (1). Last evaluated 2026-04-23.

Conditions:
Deficiency of aromatic-L-amino-acid decarboxylase. Also called: AADC DEFICIENCY; Aromatic L-Amino Acid Decarboxylase Deficiency; Aromatic amino acid decarboxylase deficiency; DDC DEFICIENCY; DOPA DECARBOXYLASE DEFICIENCY. Identifiers: Orphanet 35708, MedGen C1291564, MONDO:0012084, OMIM 608643.

Allele frequency attached by ClinVar (database versions not stated): TOPMed below 0.00001; gnomAD exomes 0.00001; ExAC 0.00007.
gnomAD v4.1: 20 of 1,614,252 alleles (0.0012%); highest among the groups gnomAD compares: South Asian, 0.0055%; no homozygotes.

Submissions (3):

Women's Health and Genetics/Laboratory Corporation of America, LabCorp
Classification: Pathogenic for Deficiency of aromatic-L-amino-acid decarboxylase. Last evaluated: 2026-04-23. Review status: criteria provided, single submitter. Criteria: LabCorp Variant Classification Summary - May 2015. Collection method: clinical testing. Allele origin: germline.
Comment: Variant summary: DDC c.1340G>A (p.Arg447His) results in a non-conservative amino acid change in the encoded protein sequence. Algorithms developed to predict the effect of missense changes on protein structure and function all suggest that this variant is likely to be disruptive. The variant allele was found at a frequency of 4e-05 in 251398 control chromosomes. This frequency is not significantly higher than estimated for disease-causing variants in DDC, allowing no conclusion about variant significance. c.1340G>A has been observed in individuals affected with Deficiency Of Aromatic-L-Amino-Acid Decarboxylase (e.g. Verbeek_2007, Spitz_2017, Gorukmez_2023, Himmelreich_2023). These data indicate that the variant is likely to be associated with disease. A different variant affecting the same codon has been classified as likely pathogenic by our lab (c.1339C>T, p.Arg447Cys), supporting the critical relevance of codon 447 to DDC protein function. To our knowledge, no experimental evidence demonstrating an impact on protein function has been reported. The following publications have been ascertained in the context of this evaluation (PMID: 36964972, 27147232, 17240182, 37348148). ClinVar contains an entry for this variant (Variation ID: 2735023). Based on the evidence outlined above, the variant was classified as pathogenic.

Blueprint Genetics
Classification: Uncertain significance. Last evaluated: 2024-08-29. Review status: criteria provided, single submitter. Criteria: ACMG Guidelines, 2015. Collection method: clinical testing. Allele origin: germline.

Labcorp Genetics (formerly Invitae), Labcorp
Classification: Pathogenic for Deficiency of aromatic-L-amino-acid decarboxylase. Last evaluated: 2023-02-10. Review status: criteria provided, single submitter. Criteria: Invitae Variant Classification Sherloc (09022015). Collection method: clinical testing. Allele origin: germline.
Comment: This missense change has been observed in individual(s) with aromatic L-amino acid decarboxylase deficiency (PMID: 17240182, 27147232). This variant is present in population databases (rs767329849, gnomAD 0.006%). This sequence change replaces arginine, which is basic and polar, with histidine, which is basic and polar, at codon 447 of the DDC protein (p.Arg447His). Advanced modeling of protein sequence and biophysical properties (such as structural, functional, and spatial information, amino acid conservation, physicochemical variation, residue mobility, and thermodynamic stability) performed at Invitae indicates that this missense variant is expected to disrupt DDC protein function. For these reasons, this variant has been classified as Pathogenic. Experimental studies have shown that this missense change affects DDC function (PMID: 24865461).

Literature cited by the submitters: PubMed 17240182 (cited by Women's Health and Genetics/Laboratory Corporation of America, LabCorp and Labcorp Genetics (formerly Invitae), Labcorp); PubMed 36964972 (cited by Women's Health and Genetics/Laboratory Corporation of America, LabCorp); PubMed 27147232 (cited by Women's Health and Genetics/Laboratory Corporation of America, LabCorp and Labcorp Genetics (formerly Invitae), Labcorp); PubMed 37348148 (cited by Women's Health and Genetics/Laboratory Corporation of America, LabCorp); PubMed 24865461 (cited by Labcorp Genetics (formerly Invitae), Labcorp).

NM_001082971.2(DDC):c.1340G>A (p.Arg447His)

Gene: DDC (dopa decarboxylase; minus strand). Cytogenetic location: 7p12.2.
Variant type: single nucleotide variant.
Coding change: c.1340G>A on transcript NM_001082971.2 (MANE Select); coding-DNA position 1340, G replaced by A.
Protein change: p.Arg447His; replaces arginine 447 with histidine.
Molecular consequence: missense variant.
Genome position (GRCh38, 1-based): chr7:50,463,334, C>T on the plus strand (G>A on the coding strand, the complement: DDC is on the minus strand). VCF-style: chr7-50463334-C-T. GRCh37 (hg19) VCF-style: chr7-50531032-C-T.
Other names: c.1340G>A, p.Arg447His (NM_000790.4); c.1226G>A, p.Arg409His (NM_001242886.2); c.1196G>A, p.Arg399His (NM_001242887.2); c.1106G>A, p.Arg369His (NM_001242888.2); c.1061G>A, p.Arg354His (NM_001242889.2); short protein forms R354H, R399H, R409H, R447H, R369H.
Identifiers: ClinVar variation 2735023 (VCV002735023.5), dbSNP rs767329849, ClinGen allele CA4261989.
Genomic context (GRCh38, chr7:50,463,334, plus strand): 5'-ATGTGTTCCCAGGCCCGCTGCACATGGGCAGATTCCACCGTGCGAGAACAGATGGCAAAG[C>T]GCAGGACAAACTTGTCCCTGAGGTGACATGGAACCAAGTGGATTTTTTTGGCACTGTTTA-3'
Protein context (NP_001076440.2, residues 437-457): PCHLRDKFVL[Arg447His]FAICSRTVES